The following is an entry in ClinVar:

NM_004064.5(CDKN1B):c.345G>A (p.Ala115=)

Gene: CDKN1B (cyclin dependent kinase inhibitor 1B; plus strand). Cytogenetic location: 12p13.1.
Variant type: single nucleotide variant.
Coding change: c.345G>A on transcript NM_004064.5 (MANE Select); coding-DNA position 345, G replaced by A.
Protein change: p.Ala115=; no amino-acid change (alanine 115 retained).
Molecular consequence: synonymous variant.
Genome position (GRCh38, 1-based): chr12:12,718,184, G>A. VCF-style: chr12-12718184-G-A. GRCh37 (hg19) VCF-style: chr12-12871118-G-A.
Identifiers: ClinVar variation 469022 (VCV000469022.20), dbSNP rs199570763, ClinGen allele CA6457470.

ClinVar aggregate classification (germline): Likely benign. Review status: criteria provided, multiple submitters, no conflicts (2 of 4 stars). 4 submissions from 4 submitters: Likely benign (4). Last evaluated 2026-01-30.

Conditions:
Multiple endocrine neoplasia type 4. Also called: MULTIPLE ENDOCRINE NEOPLASIA, TYPE IV. Identifiers: Orphanet 276152, MedGen C1970712, MONDO:0012552, OMIM 610755.
Hereditary cancer-predisposing syndrome. Also called: Hereditary neoplastic syndrome; Neoplastic Syndromes, Hereditary; Tumor predisposition; Hereditary Cancer Syndrome. Identifiers: Orphanet 140162, MedGen C0027672, MeSH D009386, MONDO:0015356.

Allele frequency attached by ClinVar (database versions not stated): ExAC 0.00003; gnomAD 0.00004 and 0.00001; gnomAD exomes 0.00010 and 0.00002; 1000 Genomes Project 30x 0.00016; 1000 Genomes Project 0.00020; TOPMed below 0.00001.
gnomAD v4.1: 143 of 1,613,086 alleles (0.0089%); highest among the groups gnomAD compares: East Asian, 0.32%; no homozygotes.

Submissions (4):

Labcorp Genetics (formerly Invitae), Labcorp
Classification: Likely benign for Multiple endocrine neoplasia type 4. Last evaluated: 2026-01-30. Review status: criteria provided, single submitter. Criteria: Invitae Variant Classification Sherloc (09022015). Collection method: clinical testing. Allele origin: germline.

Quest Diagnostics Nichols Institute San Juan Capistrano
Classification: Likely benign. Last evaluated: 2025-07-28. Review status: criteria provided, single submitter. Criteria: Quest Diagnostics criteria. Collection method: clinical testing. Allele origin: unknown.

Illumina Laboratory Services, Illumina
Classification: Likely benign for Multiple endocrine neoplasia type 4. Last evaluated: 2018-01-13. Review status: criteria provided, single submitter. Criteria: ICSL Variant Classification Criteria 13 December 2019. Collection method: clinical testing. Allele origin: germline.
Comment: This variant was observed in the ICSL laboratory as part of a predisposition screen in an ostensibly healthy population. It had not been previously curated by ICSL or reported in the Human Gene Mutation Database (HGMD: prior to June 1st, 2018), and was therefore a candidate for classification through an automated scoring system. Utilizing variant allele frequency, disease prevalence and penetrance estimates, and inheritance mode, an automated score was calculated to assess if this variant is too frequent to cause the disease. Based on the score and internal cut-off values, a variant classified as likely benign is not then subjected to further curation. The score for this variant resulted in a classification of likely benign for this disease.

Ambry Genetics
Classification: Likely benign for Hereditary cancer-predisposing syndrome. Last evaluated: 2017-04-24. Review status: criteria provided, single submitter. Criteria: Ambry Variant Classification Scheme 2023. Collection method: clinical testing. Allele origin: germline.